The following is an entry in ClinVar:

ClinVar aggregate classification (germline): Uncertain significance (1 of 4 stars; one submission).

Conditions:
Osteogenesis imperfecta type 7 (OI7). Also called: OI type 7; OI type VII; OSTEOGENESIS IMPERFECTA, TYPE IIB; Osteogenesis imperfecta type 2B; OI type 2B; Osteogenesis imperfecta, perinatal lethal autosomal recessive. Identifiers: MedGen C1853162, MONDO:0012536, OMIM 610682.

Submission:

Labcorp Genetics (formerly Invitae), Labcorp
Classification: Uncertain significance for Osteogenesis imperfecta type 7. Last evaluated: 2021-12-23. Review status: criteria provided, single submitter. Criteria: Invitae Variant Classification Sherloc (09022015). Collection method: clinical testing. Allele origin: germline.
Comment: In summary, the available evidence is currently insufficient to determine the role of this variant in disease. Therefore, it has been classified as a Variant of Uncertain Significance. Algorithms developed to predict the effect of missense changes on protein structure and function are either unavailable or do not agree on the potential impact of this missense change (SIFT: "Deleterious"; PolyPhen-2: "Benign"; Align-GVGD: "Class C0"). This variant has not been reported in the literature in individuals affected with CRTAP-related conditions. This variant is not present in population databases (gnomAD no frequency). This sequence change replaces proline, which is neutral and non-polar, with threonine, which is neutral and polar, at codon 134 of the CRTAP protein (p.Pro134Thr).

NM_006371.5(CRTAP):c.400C>A (p.Pro134Thr)

Gene: CRTAP (cartilage associated protein; plus strand). Cytogenetic location: 3p22.3.
Variant type: single nucleotide variant.
Coding change: c.400C>A on transcript NM_006371.5 (MANE Select); coding-DNA position 400, C replaced by A.
Protein change: p.Pro134Thr; replaces proline 134 with threonine.
Molecular consequence: missense variant.
Genome position (GRCh38, 1-based): chr3:33,114,477, C>A. VCF-style: chr3-33114477-C-A. GRCh37 (hg19) VCF-style: chr3-33155969-C-A.
Other names: c.400C>A, p.Pro134Thr (NM_001393363.1, NM_001393364.1, NM_001393365.1); short protein forms P134T.
Identifiers: ClinVar variation 2050314 (VCV002050314.4), dbSNP rs2471562041, ClinGen allele CA352008772.